The following is an entry in ClinVar:

NM_019844.4(SLCO1B3):c.1347A>G (p.Ala449=)

Genes: SLCO1B3 (solute carrier organic anion transporter family member 1B3; plus strand), SLCO1B3-SLCO1B7 (SLCO1B3-SLCO1B7 readthrough; plus strand). Cytogenetic location: 12p12.2.
Variant type: single nucleotide variant.
Coding change: c.1347A>G on transcript NM_019844.4 (MANE Select); coding-DNA position 1347, A replaced by G.
Protein change: p.Ala449=; no amino-acid change (alanine 449 retained).
Molecular consequence: synonymous variant.
Genome position (GRCh38, 1-based): chr12:20,880,870, A>G. VCF-style: chr12-20880870-A-G. GRCh37 (hg19) VCF-style: chr12-21033804-A-G.
Other names: c.1263A>G, p.Ala421= (NM_001349920.2).
Identifiers: ClinVar variation 307904 (VCV000307904.49), dbSNP rs79382866, ClinGen allele CA6475546.
Genomic context (GRCh38, chr12:20,880,870, plus strand): 5'-TTCCTCTTTCTCTTTTTTTGATATATTTCTATCATATATTTTCAGAAATAATTCAGTGGC[A>G]TCTCATGTAGATGTACCACTTTCTTATTGCAACTCAGAGTGCAATTGTGATGAAAGTCAG-3'
Protein context (NP_062818.1, residues 439-459): TLTYDGNNSV[Ala449=]SHVDVPLSYC

ClinVar aggregate classification (germline): Benign/Likely benign. Review status: criteria provided, multiple submitters, no conflicts (2 of 4 stars). 5 submissions from 5 submitters: Benign (2); Likely benign (3). Last evaluated 2025-07-24.

Conditions:
Rotor syndrome (HBLRR). Also called: HYPERBILIRUBINEMIA, ROTOR TYPE, DIGENIC; HYPERBILIRUBINEMIA, ROTOR TYPE. Identifiers: Orphanet 3111, MedGen C0220991, MONDO:0009379, OMIM 237450.

Allele frequency attached by ClinVar (database versions not stated): gnomAD 0.00482 and 0.00474; gnomAD exomes 0.00489 and 0.00473; ExAC 0.00495; ESP Exome Variant Server 0.00500; 1000 Genomes Project 30x 0.00297; 1000 Genomes Project 0.00359; TOPMed 0.00363.
gnomAD v4.1: 7,667 of 1,593,302 alleles (0.48%); highest among the groups gnomAD compares: Non-Finnish European, 0.54%; 46 homozygotes.

Submissions (5):

ARUP Laboratories, Molecular Genetics and Genomics, ARUP Laboratories
Classification: Benign for Rotor syndrome. Last evaluated: 2025-07-24. Review status: criteria provided, single submitter. Criteria: ARUP Molecular Germline Variant Investigation Process 2024. Collection method: clinical testing. Allele origin: germline.

CeGaT Center for Human Genetics Tuebingen
Classification: Likely benign. Last evaluated: 2022-09-01. Review status: criteria provided, single submitter. Criteria: CeGaT Center For Human Genetics Tuebingen Variant Classification Criteria Version 2. Collection method: clinical testing. Allele origin: germline. Affected: yes. Observed: 1 variant allele.
Comment: SLCO1B3: BP4, BP7

Labcorp Genetics (formerly Invitae), Labcorp
Classification: Benign. Last evaluated: 2018-08-08. Review status: criteria provided, single submitter. Criteria: Invitae Variant Classification Sherloc (09022015). Collection method: clinical testing. Allele origin: germline.

Illumina Laboratory Services, Illumina
Classification: Likely benign for Rotor syndrome. Last evaluated: 2018-01-13. Review status: criteria provided, single submitter. Criteria: ICSL Variant Classification Criteria 13 December 2019. Collection method: clinical testing. Allele origin: germline.
Comment: This variant was observed in the ICSL laboratory as part of a predisposition screen in an ostensibly healthy population. It had not been previously curated by ICSL or reported in the Human Gene Mutation Database (HGMD: prior to June 1st, 2018), and was therefore a candidate for classification through an automated scoring system. Utilizing variant allele frequency, disease prevalence and penetrance estimates, and inheritance mode, an automated score was calculated to assess if this variant is too frequent to cause the disease. Based on the score and internal cut-off values, a variant classified as likely benign is not then subjected to further curation. The score for this variant resulted in a classification of likely benign for this disease.

Breakthrough Genomics
Classification: Likely benign. Review status: criteria provided, single submitter. Criteria: ACMG Guidelines, 2015. Collection method: not provided. Allele origin: germline. Inheritance: Autosomal recessive inheritance. Affected: yes.